The following is an entry in ClinVar:

NM_001048174.2(MUTYH):c.1189C>G (p.Gln397Glu)

Gene: MUTYH (mutY DNA glycosylase; minus strand). Cytogenetic location: 1p34.1.
Variant type: single nucleotide variant.
Coding change: c.1189C>G on transcript NM_001048174.2 (MANE Select); coding-DNA position 1189, C replaced by G.
Protein change: p.Gln397Glu; replaces glutamine 397 with glutamic acid.
Molecular consequence: missense variant. On other transcripts: non-coding transcript variant (2).
Genome position (GRCh38, 1-based): chr1:45,331,470, G>C on the plus strand (C>G on the coding strand, the complement: MUTYH is on the minus strand). VCF-style: chr1-45331470-G-C. GRCh37 (hg19) VCF-style: chr1-45797142-G-C.
Other names: c.1189C>G, p.Gln397Glu (NM_001048171.2, NM_001048173.2, NM_001293195.2); c.1192C>G, p.Gln398Glu (NM_001048172.2); c.1273C>G, p.Gln425Glu (NM_001128425.2); c.1234C>G, p.Gln412Glu (NM_001293190.2); c.1222C>G, p.Gln408Glu (NM_001293191.2); c.913C>G, p.Gln305Glu (NM_001293192.2, NM_001293196.2); c.844C>G, p.Gln282Glu (NM_001350650.2, NM_001350651.2); c.1264C>G, p.Gln422Glu (NM_012222.3); short protein forms Q425E, Q282E, Q397E, Q408E, Q305E, Q398E, Q412E, Q422E.
Identifiers: ClinVar variation 1503694 (VCV001503694.9), dbSNP rs2149119069, ClinGen allele CA340132917.
Genomic context (GRCh38, chr1:45,331,470, plus strand): 5'-GCTCACTTACCTCCCCAAGGTGCCGGAGGTGCGTGGCTGGGAGGGGCCCAGCCCAACGCT[G>C]TAGTTCCTGCAGCAGGGCCTTGCGCTGAAGCTGCTCTGAGGGCTCCCAGGTCACGGACGG-3'
Protein context (NP_001041639.1, residues 387-407): LQRKALLQEL[Gln397Glu]RWAGPLPATH

ClinVar aggregate classification (germline): Uncertain significance. Review status: criteria provided, multiple submitters, no conflicts (2 of 4 stars). 2 submissions from 2 submitters: Uncertain significance (2). Last evaluated 2024-04-25.

Conditions:
Familial adenomatous polyposis 2. Also called: MYH-associated polyposis; Adenomas, multiple colorectal; COLORECTAL ADENOMATOUS POLYPOSIS, AUTOSOMAL RECESSIVE; ADENOMAS, MULTIPLE COLORECTAL, AUTOSOMAL RECESSIVE; FAP type 2; MUTYH Polyposis. Identifiers: Orphanet 220460, Orphanet 247798, MedGen C3272841, MONDO:0012041, OMIM 608456.

Submissions (2):

All of Us Research Program, National Institutes of Health
Classification: Uncertain significance for Familial adenomatous polyposis 2. Last evaluated: 2024-04-25. Review status: criteria provided, single submitter. Criteria: ACMG Guidelines, 2015. Collection method: clinical testing. Allele origin: germline. Inheritance: Autosomal recessive inheritance. Observed: 1 variant allele, 1 heterozygote.
Comment: This missense variant replaces glutamine with glutamic acid at codon 425 of the MUTYH protein. Computational prediction suggests that this variant may not impact protein structure and function (internally defined REVEL score threshold <= 0.5, PMID: 27666373). To our knowledge, functional studies have not been reported for this variant. This variant has not been reported in individuals affected with MUTYH-related disorders in the literature. This variant has not been identified in the general population by the Genome Aggregation Database (gnomAD). The available evidence is insufficient to determine the role of this variant in disease conclusively. Therefore, this variant is classified as a Variant of Uncertain Significance.

This study involves interpretation of variants in research participants for the purpose of population health screening. Participant phenotype was not available at the time of variant classification. Additional details can be found in publication PMID: 35346344, PMCID: PMC8962531

Labcorp Genetics (formerly Invitae), Labcorp
Classification: Uncertain significance for Familial adenomatous polyposis 2. Last evaluated: 2021-07-05. Review status: criteria provided, single submitter. Criteria: Invitae Variant Classification Sherloc (09022015). Collection method: clinical testing. Allele origin: germline.
Comment: In summary, the available evidence is currently insufficient to determine the role of this variant in disease. Therefore, it has been classified as a Variant of Uncertain Significance. Algorithms developed to predict the effect of missense changes on protein structure and function (SIFT, PolyPhen-2, Align-GVGD) all suggest that this variant is likely to be tolerated. This variant has not been reported in the literature in individuals affected with MUTYH-related conditions. This variant is not present in population databases (ExAC no frequency). This sequence change replaces glutamine with glutamic acid at codon 425 of the MUTYH protein (p.Gln425Glu). The glutamine residue is moderately conserved and there is a small physicochemical difference between glutamine and glutamic acid.